The following is an entry in ClinVar:

NM_000051.4(ATM):c.1802+7T>G

Gene: ATM (ATM serine/threonine kinase; plus strand). Cytogenetic location: 11q22.3.
Variant type: single nucleotide variant.
Coding change: c.1802+7T>G on transcript NM_000051.4 (MANE Select); 7 bases into the intron after coding-DNA position 1802, T replaced by G.
Molecular consequence: intron variant.
Genome position (GRCh38, 1-based): chr11:108,252,038, T>G. VCF-style: chr11-108252038-T-G. GRCh37 (hg19) VCF-style: chr11-108122765-T-G.
Other names: c.1802+7T>G (NM_001351834.2).
Identifiers: ClinVar variation 382544 (VCV000382544.10), dbSNP rs1057521381, ClinGen allele CA16606033.

ClinVar aggregate classification (germline): Likely benign. Review status: criteria provided, multiple submitters, no conflicts (2 of 4 stars). 3 submissions from 3 submitters: Likely benign (3). Last evaluated 2024-05-01.

Conditions:
Ataxia-telangiectasia syndrome (AT). Also called: LOUIS-BAR SYNDROME; ATAXIA-TELANGIECTASIA, COMPLEMENTATION GROUP A; ATAXIA-TELANGIECTASIA, FRESNO VARIANT; Ataxia-telangiectasia; Ataxia telangiectasia (A-T); Cerebello-oculocutaneous telangiectasia. Identifiers: Orphanet 100, MedGen C0004135, MONDO:0008840, OMIM 208900.
Familial cancer of breast. Also called: Hereditary breast cancer; BREAST CANCER, FAMILIAL; hereditary breast carcinoma. Identifiers: Orphanet 227535, MedGen C0346153, MONDO:0016419, OMIM 114480. Disease mechanism: loss of function.

Allele frequency attached by ClinVar (database versions not stated): gnomAD exomes below 0.00001; gnomAD 0.00001.
gnomAD v4.1: 2 of 1,609,614 alleles (0.00012%); highest among the groups gnomAD compares: Non-Finnish European, 0.00017%; no homozygotes.

Submissions (3):

Myriad Genetics, Inc.
Classification: Likely benign for Familial cancer of breast. Last evaluated: 2024-05-01. Review status: criteria provided, single submitter. Criteria: Myriad Autosomal Dominant, Autosomal Recessive and X-Linked Classification Criteria (2023). Collection method: clinical testing. Allele origin: unknown.
Comment: This variant is considered likely benign. This variant is intronic and is not expected to impact mRNA splicing.

Labcorp Genetics (formerly Invitae), Labcorp
Classification: Likely benign for Ataxia-telangiectasia syndrome. Last evaluated: 2023-07-31. Review status: criteria provided, single submitter. Criteria: Invitae Variant Classification Sherloc (09022015). Collection method: clinical testing. Allele origin: germline.

GeneDx
Classification: Likely benign. Last evaluated: 2015-12-24. Review status: criteria provided, single submitter. Criteria: GeneDx Variant Classification (06012015). Collection method: clinical testing. Allele origin: germline. Affected: yes.
Comment: This variant is considered likely benign or benign based on one or more of the following criteria: it is a conservative change, it occurs at a poorly conserved position in the protein, it is predicted to be benign by multiple in silico algorithms, and/or has population frequency not consistent with disease.